The following continues an entry in ClinVar:

NM_007294.4(BRCA1):c.4327C>G (p.Arg1443Gly)

Gene: BRCA1. ClinVar aggregate classification (germline): Benign. Benign (1).

Submissions 18 to 22 of 22:

Counsyl
Classification: Benign for Breast-ovarian cancer, familial, susceptibility to, 1. Last evaluated: 2016-04-20. Review status: no assertion criteria provided. Collection method: clinical testing. Allele origin: unknown. Not counted in ClinVar's aggregate classification.

Breast Cancer Information Core (BIC) (BRCA1)
Classification: Uncertain significance for Breast-ovarian cancer, familial 1. Last evaluated: 2002-05-29. Review status: no assertion criteria provided. Collection method: clinical testing. Allele origin: germline. Affected: yes. Observed: 15 variant alleles. Not counted in ClinVar's aggregate classification.

OMIM
Classification: Pathogenic for BREAST-OVARIAN CANCER, FAMILIAL, SUSCEPTIBILITY TO, 1. Last evaluated: 1994-12-01. Review status: no assertion criteria provided. Collection method: literature only. Allele origin: germline. Not counted in ClinVar's aggregate classification.

Clinical Genetics DNA and cytogenetics Diagnostics Lab, Erasmus MC, Erasmus Medical Center
Classification: Benign. Review status: no assertion criteria provided. Collection method: clinical testing. Allele origin: germline. Affected: yes. Study: VKGL Data-share Consensus. Not counted in ClinVar's aggregate classification.

Genome Diagnostics Laboratory, University Medical Center Utrecht
Classification: Benign. Review status: no assertion criteria provided. Collection method: clinical testing. Allele origin: germline. Affected: yes. Study: VKGL Data-share Consensus. Not counted in ClinVar's aggregate classification.

Literature cited by the submitters: PubMed 31131967 (cited by Evidence-based Network for the Interpretation of Germline Mutant Alleles (ENIGMA) and Quest Diagnostics Nichols Institute San Juan Capistrano); PubMed 28781887 (cited by Quest Diagnostics Nichols Institute San Juan Capistrano and Women's Health and Genetics/Laboratory Corporation of America, LabCorp); PubMed 28569743 (cited by Quest Diagnostics Nichols Institute San Juan Capistrano and Ambry Genetics); PubMed 23867111 (cited by 4 submitters); PubMed 21990134 (cited by 3 submitters); PubMed 17308087 (cited by 4 submitters); PubMed 30765603 (cited by Quest Diagnostics Nichols Institute San Juan Capistrano and Women's Health and Genetics/Laboratory Corporation of America, LabCorp); PubMed 33087888 (cited by Quest Diagnostics Nichols Institute San Juan Capistrano); PubMed 33471991 (cited by Quest Diagnostics Nichols Institute San Juan Capistrano); PubMed 25556971 (cited by Quest Diagnostics Nichols Institute San Juan Capistrano and Women's Health and Genetics/Laboratory Corporation of America, LabCorp); PubMed 25652403 (cited by Quest Diagnostics Nichols Institute San Juan Capistrano); PubMed 28301456 (cited by Quest Diagnostics Nichols Institute San Juan Capistrano); PubMed 27533253 (cited by Quest Diagnostics Nichols Institute San Juan Capistrano); PubMed 9333265 (cited by Quest Diagnostics Nichols Institute San Juan Capistrano); PubMed 22753008 (cited by Quest Diagnostics Nichols Institute San Juan Capistrano); PubMed 21447777 (cited by Quest Diagnostics Nichols Institute San Juan Capistrano and Counsyl); PubMed 18992264 (cited by Quest Diagnostics Nichols Institute San Juan Capistrano); PubMed 19369211 (cited by Quest Diagnostics Nichols Institute San Juan Capistrano and Women's Health and Genetics/Laboratory Corporation of America, LabCorp); PubMed 7894491 (cited by 5 submitters); PubMed 16267036 (cited by Women's Health and Genetics/Laboratory Corporation of America, LabCorp); PubMed 22711857 (cited by Women's Health and Genetics/Laboratory Corporation of America, LabCorp); PubMed 19491284 (cited by Women's Health and Genetics/Laboratory Corporation of America, LabCorp); PubMed 12048272 (cited by Women's Health and Genetics/Laboratory Corporation of America, LabCorp); PubMed 23569533 (cited by Women's Health and Genetics/Laboratory Corporation of America, LabCorp); PubMed 30212499 (cited by Women's Health and Genetics/Laboratory Corporation of America, LabCorp); PubMed 7837387 (cited by Department of Pathology and Laboratory Medicine, Sinai Health System); PubMed 25525159 (cited by Counsyl).